The following is an entry in ClinVar:

NM_001184.4(ATR):c.523A>G (p.Met175Val)

Gene: ATR (ATR checkpoint kinase; minus strand). Cytogenetic location: 3q23.
Variant type: single nucleotide variant.
Coding change: c.523A>G on transcript NM_001184.4 (MANE Select); coding-DNA position 523, A replaced by G.
Protein change: p.Met175Val; replaces methionine 175 with valine.
Molecular consequence: missense variant.
Genome position (GRCh38, 1-based): chr3:142,562,879, T>C on the plus strand (A>G on the coding strand, the complement: ATR is on the minus strand). VCF-style: chr3-142562879-T-C. GRCh37 (hg19) VCF-style: chr3-142281721-T-C.
Other names: c.523A>G, p.Met175Val (NM_001354579.2); short protein forms M175V.
Identifiers: ClinVar variation 1492256 (VCV001492256.10), dbSNP rs749947335, ClinGen allele CA2650752.

ClinVar aggregate classification (germline): Conflicting classifications of pathogenicity. Review status: criteria provided, conflicting classifications (1 of 4 stars). 2 submissions from 2 submitters: Uncertain significance (1); Likely benign (1). Last evaluated 2021-11-02.

Conditions:
Inborn genetic diseases. Identifiers: MedGen C0950123, MeSH D030342.

Allele frequency attached by ClinVar (database versions not stated): gnomAD exomes below 0.00001 and 0.00001; ExAC 0.00001.

Submissions (2):

Ambry Genetics
Classification: Likely benign for Inborn genetic diseases. Last evaluated: 2021-11-02. Review status: criteria provided, single submitter. Criteria: Ambry Variant Classification Scheme 2023. Collection method: clinical testing. Allele origin: germline.

Labcorp Genetics (formerly Invitae), Labcorp
Classification: Uncertain significance. Last evaluated: 2021-04-11. Review status: criteria provided, single submitter. Criteria: Invitae Variant Classification Sherloc (09022015). Collection method: clinical testing. Allele origin: germline.
Comment: This variant has not been reported in the literature in individuals with ATR-related conditions. This variant is present in population databases (rs749947335, ExAC 0.009%). This sequence change replaces methionine with valine at codon 175 of the ATR protein (p.Met175Val). The methionine residue is weakly conserved and there is a small physicochemical difference between methionine and valine. In summary, the available evidence is currently insufficient to determine the role of this variant in disease. Therefore, it has been classified as a Variant of Uncertain Significance. Algorithms developed to predict the effect of sequence changes on RNA splicing suggest that this variant may create or strengthen a splice site, but this prediction has not been confirmed by published transcriptional studies. Algorithms developed to predict the effect of missense changes on protein structure and function output the following: SIFT: "Tolerated"; PolyPhen-2: "Benign"; Align-GVGD: "Class C0". The valine amino acid residue is found in multiple mammalian species, suggesting that this missense change does not adversely affect protein function. These predictions have not been confirmed by published functional studies and their clinical significance is uncertain.